The following is an entry in ClinVar:

ClinVar aggregate classification (germline): Conflicting classifications of pathogenicity. Review status: criteria provided, conflicting classifications (1 of 4 stars). 5 submissions from 5 submitters: Uncertain significance (1); Likely benign (3). 1 of the submissions does not count toward it. Last evaluated 2025-12-08.

Conditions:
YARS2-related disorder. Also called: YARS2-related condition.
Myopathy, lactic acidosis, and sideroblastic anemia 2 (MLASA2). Identifiers: Orphanet 2598, MedGen C3150802, MONDO:0013307, OMIM 613561.

Allele frequency attached by ClinVar (database versions not stated): gnomAD 0.00002 and 0.00029; TOPMed 0.00003; gnomAD exomes 0.00045 and 0.00087; ExAC 0.00104; 1000 Genomes Project 30x 0.00156; 1000 Genomes Project 0.00180.
gnomAD v4.1: 707 of 1,614,202 alleles (0.044%); highest among the groups gnomAD compares: South Asian, 0.73%; 10 homozygotes.

Submissions (5):

Labcorp Genetics (formerly Invitae), Labcorp
Classification: Likely benign. Last evaluated: 2025-12-08. Review status: criteria provided, single submitter. Criteria: Invitae Variant Classification Sherloc (09022015). Collection method: clinical testing. Allele origin: germline.

GeneDx
Classification: Likely benign. Last evaluated: 2020-02-27. Review status: criteria provided, single submitter. Criteria: GeneDx Variant Classification Process June 2021. Collection method: clinical testing. Allele origin: germline. Affected: yes.

Illumina Laboratory Services, Illumina
Classification: Likely benign for Myopathy, lactic acidosis, and sideroblastic anemia 2. Last evaluated: 2018-01-13. Review status: criteria provided, single submitter. Criteria: ICSL Variant Classification Criteria 13 December 2019. Collection method: clinical testing. Allele origin: germline.
Comment: This variant was observed in the ICSL laboratory as part of a predisposition screen in an ostensibly healthy population. It had not been previously curated by ICSL or reported in the Human Gene Mutation Database (HGMD: prior to June 1st, 2018), and was therefore a candidate for classification through an automated scoring system. Utilizing variant allele frequency, disease prevalence and penetrance estimates, and inheritance mode, an automated score was calculated to assess if this variant is too frequent to cause the disease. Based on the score and internal cut-off values, a variant classified as likely benign is not then subjected to further curation. The score for this variant resulted in a classification of likely benign for this disease.

CeGaT Center for Human Genetics Tuebingen
Classification: Uncertain significance. Last evaluated: 2016-12-01. Review status: criteria provided, single submitter. Criteria: CeGaT Center For Human Genetics Tuebingen Variant Classification Criteria Version 2. Collection method: clinical testing. Allele origin: germline. Affected: yes. Observed: 1 variant allele.

PreventionGenetics, part of Exact Sciences
Classification: Likely benign for YARS2-related condition. Last evaluated: 2020-01-03. Review status: no assertion criteria provided. Collection method: clinical testing. Allele origin: germline. Not counted in ClinVar's aggregate classification.
Comment: This variant is classified as likely benign based on ACMG/AMP sequence variant interpretation guidelines (Richards et al. 2015 PMID: 25741868, with internal and published modifications).

NM_001040436.3(YARS2):c.626A>G (p.Lys209Arg)

Gene: YARS2 (tyrosyl-tRNA synthetase 2; minus strand). Cytogenetic location: 12p11.21.
Variant type: single nucleotide variant.
Coding change: c.626A>G on transcript NM_001040436.3 (MANE Select); coding-DNA position 626, A replaced by G.
Protein change: p.Lys209Arg; replaces lysine 209 with arginine.
Molecular consequence: missense variant.
Genome position (GRCh38, 1-based): chr12:32,755,249, T>C on the plus strand (A>G on the coding strand, the complement: YARS2 is on the minus strand). VCF-style: chr12-32755249-T-C. GRCh37 (hg19) VCF-style: chr12-32908183-T-C.
Other names: short protein forms K209R.
Identifiers: ClinVar variation 308459 (VCV000308459.60), dbSNP rs541554381, ClinGen allele CA6508143.